The following is an entry in ClinVar:

ClinVar aggregate classification (germline): Benign/Likely benign. Review status: criteria provided, multiple submitters, no conflicts (2 of 4 stars). 4 submissions from 4 submitters: Benign (1); Likely benign (2). 1 of the submissions does not count toward it. Last evaluated 2025-08-11.

Conditions:
Hereditary cancer-predisposing syndrome. Also called: Hereditary Cancer Syndrome; Hereditary neoplastic syndrome; Tumor predisposition; Neoplastic Syndromes, Hereditary. Identifiers: Orphanet 140162, MedGen C0027672, MeSH D009386, MONDO:0015356.
Familial cancer of breast. Also called: Hereditary breast cancer; hereditary breast carcinoma; BREAST CANCER, FAMILIAL. Identifiers: Orphanet 227535, MedGen C0346153, MONDO:0016419, OMIM 114480. Disease mechanism: loss of function.

Submissions (4):

Labcorp Genetics (formerly Invitae), Labcorp
Classification: Likely benign for Familial cancer of breast. Last evaluated: 2025-08-11. Review status: criteria provided, single submitter. Criteria: Invitae Variant Classification Sherloc (09022015). Collection method: clinical testing. Allele origin: germline.

Myriad Genetics, Inc.
Classification: Benign for Familial cancer of breast. Last evaluated: 2023-04-21. Review status: criteria provided, single submitter. Criteria: Myriad Autosomal Dominant, Autosomal Recessive and X-Linked Classification Criteria (2023). Collection method: clinical testing. Allele origin: unknown.
Comment: This variant is considered benign. This variant is intronic and is not expected to impact mRNA splicing.

Color Diagnostics, LLC DBA Color Health
Classification: Likely benign for Hereditary cancer-predisposing syndrome. Last evaluated: 2018-08-30. Review status: criteria provided, single submitter. Criteria: ACMG Guidelines, 2015. Collection method: clinical testing. Allele origin: germline.

Counsyl
Classification: Likely benign for Familial cancer of breast. Last evaluated: 2018-04-09. Review status: no assertion criteria provided. Collection method: clinical testing. Allele origin: unknown. Not counted in ClinVar's aggregate classification.

NM_007194.4(CHEK2):c.909-28_909-20del

Gene: CHEK2 (checkpoint kinase 2; minus strand). Cytogenetic location: 22q12.1.
Variant type: Deletion.
Coding change: c.909-28_909-20del on transcript NM_007194.4 (MANE Select); 28 bases into the intron before coding-DNA position 909 through 20 bases into the intron before coding-DNA position 909, 9 bases deleted (AACCCCTTG; older notation c.909-28_909-20delAACCCCTTG).
Molecular consequence: intron variant.
Genome position (GRCh38, 1-based): chr22:28,699,957-28,699,965, CAAGGGGTT deleted on the plus strand (AACCCCTTG on the coding strand, the reverse complement: CHEK2 is on the minus strand); deleting any 9 consecutive bases within chr22:28,699,957-28,699,967 gives the same sequence; the c. name uses the placement nearest the transcript's 3' end. VCF-style (leftmost placement, unchanged base first): chr22-28699956-GCAAGGGGTT-G. GRCh37 (hg19) VCF-style: chr22-29095944-GCAAGGGGTT-G.
Other names: c.909-28_909-20del (NM_145862.3); c.246-28_246-20del (NM_001257387.3, NM_001437942.1); c.1002-28_1002-20del (NM_001438295.1, NM_001438293.1); c.1038-28_1038-20del (NM_001438294.1, NM_001005735.3); c.909-28_909-20delAACCCCTTG (NM_007194.3); c.708-28_708-20del (NM_001349956.3).
Identifiers: ClinVar variation 548886 (VCV000548886.15), dbSNP rs1555915597, ClinGen allele CA658824094.
Genomic context (GRCh38, chr22:28,699,956, plus strand): 5'-TTATTCCCCACCACTTTGTCAAACAGCTCTCCCCCTTCCATCCTGAAACACAAAGGCAAG[GCAAGGGGTT>G]CATTCCTGGGGGAAAACGCACTTGGACAGAAGACAATAAAACAACAAAACAAATTCATTA-3'